The following is an entry in ClinVar:

ClinVar aggregate classification (germline): Uncertain significance (1 of 4 stars; one submission).

Conditions:
Hereditary cancer-predisposing syndrome. Also called: Tumor predisposition; Hereditary neoplastic syndrome; Hereditary Cancer Syndrome; Neoplastic Syndromes, Hereditary. Identifiers: Orphanet 140162, MedGen C0027672, MeSH D009386, MONDO:0015356.

Allele frequency attached by ClinVar (database versions not stated): gnomAD exomes below 0.00001.
gnomAD v4.1: 1 of 1,614,146 alleles (0.000062%); highest among the groups gnomAD compares: Non-Finnish European, 0.000085%; no homozygotes.

Submission:

Ambry Genetics
Classification: Uncertain significance for Hereditary cancer-predisposing syndrome. Last evaluated: 2023-10-13. Review status: criteria provided, single submitter. Criteria: Ambry Variant Classification Scheme 2023. Collection method: clinical testing. Allele origin: germline.
Comment: The p.A924T variant (also known as c.2770G>A), located in coding exon 20 of the MSH3 gene, results from a G to A substitution at nucleotide position 2770. The alanine at codon 924 is replaced by threonine, an amino acid with similar properties. This amino acid position is conserved. In addition, this alteration is predicted to be deleterious by in silico analysis. Since supporting evidence is limited at this time, the clinical significance of this alteration remains unclear.

NM_002439.5(MSH3):c.2770G>A (p.Ala924Thr)

Gene: MSH3 (mutS homolog 3; plus strand). Cytogenetic location: 5q14.1.
Variant type: single nucleotide variant.
Coding change: c.2770G>A on transcript NM_002439.5 (MANE Select); coding-DNA position 2770, G replaced by A.
Protein change: p.Ala924Thr; replaces alanine 924 with threonine.
Molecular consequence: missense variant.
Genome position (GRCh38, 1-based): chr5:80,813,698, G>A. VCF-style: chr5-80813698-G-A. GRCh37 (hg19) VCF-style: chr5-80109517-G-A.
Other names: short protein forms A924T.
Identifiers: ClinVar variation 3222276 (VCV003222276.1), dbSNP rs2112054481, ClinGen allele CA360274038.